The following is an entry in ClinVar:

ClinVar aggregate classification (germline): Conflicting classifications of pathogenicity. Review status: criteria provided, conflicting classifications (1 of 4 stars). 2 submissions from 2 submitters: Uncertain significance (1); Likely benign (1). Last evaluated 2024-04-10.

Allele frequency attached by ClinVar (database versions not stated): gnomAD exomes below 0.00001; ExAC 0.00001; gnomAD 0.00001; TOPMed 0.00001.
gnomAD v4.1: 7 of 1,611,480 alleles (0.00043%); highest among the groups gnomAD compares: East Asian, 0.0067%; no homozygotes.

Submissions (2):

Labcorp Genetics (formerly Invitae), Labcorp
Classification: Uncertain significance. Last evaluated: 2024-04-10. Review status: criteria provided, single submitter. Criteria: Invitae Variant Classification Sherloc (09022015). Collection method: clinical testing. Allele origin: germline.
Comment: This sequence change replaces tyrosine, which is neutral and polar, with cysteine, which is neutral and slightly polar, at codon 719 of the RINT1 protein (p.Tyr719Cys). This variant is present in population databases (rs766540386, gnomAD 0.003%). This variant has not been reported in the literature in individuals affected with RINT1-related conditions. ClinVar contains an entry for this variant (Variation ID: 410811). An algorithm developed to predict the effect of missense changes on protein structure and function (PolyPhen-2) suggests that this variant is likely to be disruptive. In summary, the available evidence is currently insufficient to determine the role of this variant in disease. Therefore, it has been classified as a Variant of Uncertain Significance.

Ambry Genetics
Classification: Likely benign. Last evaluated: 2020-07-02. Review status: criteria provided, single submitter. Criteria: Ambry Variant Classification Scheme 2023. Collection method: clinical testing. Allele origin: germline.

NM_021930.6(RINT1):c.2156A>G (p.Tyr719Cys)

Genes: EFCAB10 (EF-hand calcium binding domain 10; minus strand), RINT1 (RAD50 interactor 1; plus strand). Cytogenetic location: 7q22.3.
Variant type: single nucleotide variant.
Coding change: c.2156A>G on transcript NM_021930.6 (MANE Select); coding-DNA position 2156, A replaced by G.
Protein change: p.Tyr719Cys; replaces tyrosine 719 with cysteine.
Molecular consequence: missense variant. On other transcripts: non-coding transcript variant (1), intron variant (3).
Genome position (GRCh38, 1-based): chr7:105,565,618, A>G. VCF-style: chr7-105565618-A-G. GRCh37 (hg19) VCF-style: chr7-105206065-A-G.
Other names: c.1922A>G, p.Tyr641Cys (NM_001346599.2); c.1133A>G, p.Tyr378Cys (NM_001346600.2, NM_001346603.2); c.1232A>G, p.Tyr411Cys (NM_001346601.2); c.360-171T>C (NM_001355531.2); c.384-171T>C (NM_001355526.2); c.384-3T>C (NM_001355530.2); short protein forms Y719C, Y641C, Y378C, Y411C.
Identifiers: ClinVar variation 410811 (VCV000410811.13), dbSNP rs766540386, ClinGen allele CA4426881.